The following is an entry in ClinVar:

NM_006265.3(RAD21):c.482-15_482-11del

Gene: RAD21 (RAD21 cohesin complex component; minus strand). Cytogenetic location: 8q24.11.
Variant type: Deletion.
Coding change: c.482-15_482-11del on transcript NM_006265.3 (MANE Select); 15 bases into the intron before coding-DNA position 482 through 11 bases into the intron before coding-DNA position 482, 5 bases deleted (TTAAA; older notation c.482-15_482-11delTTAAA).
Molecular consequence: intron variant.
Genome position (GRCh38, 1-based): chr8:116,857,484-116,857,488, TTTAA deleted on the plus strand (TTAAA on the coding strand, the reverse complement: RAD21 is on the minus strand); deleting any 5 consecutive bases within chr8:116,857,484-116,857,491 gives the same sequence; the c. name uses the placement nearest the transcript's 3' end. VCF-style (leftmost placement, unchanged base first): chr8-116857483-TTTTAA-T. GRCh37 (hg19) VCF-style: chr8-117869722-TTTTAA-T.
Identifiers: ClinVar variation 1317371 (VCV001317371.5), dbSNP rs750504354, ClinGen allele CA4853065.

ClinVar aggregate classification (germline): Conflicting classifications of pathogenicity. Review status: criteria provided, conflicting classifications (1 of 4 stars). 2 submissions from 2 submitters: Uncertain significance (1); Likely benign (1). Last evaluated 2026-01-06.

Conditions:
Cornelia de Lange syndrome 4 (CDLS4). Also called: RAD21-Related Cornelia de Lange Syndrome; CORNELIA DE LANGE SYNDROME 4 WITH OR WITHOUT MIDLINE BRAIN DEFECTS. Identifiers: Orphanet 199, MedGen C3553517, MONDO:0013864, OMIM 614701.

Submissions (2):

Labcorp Genetics (formerly Invitae), Labcorp
Classification: Likely benign for Cornelia de Lange syndrome 4. Last evaluated: 2026-01-06. Review status: criteria provided, single submitter. Criteria: Invitae Variant Classification Sherloc (09022015). Collection method: clinical testing. Allele origin: germline.

GeneDx
Classification: Uncertain significance. Last evaluated: 2019-05-21. Review status: criteria provided, single submitter. Criteria: GeneDx Variant Classification Process June 2021. Collection method: clinical testing. Allele origin: germline. Affected: yes.
Comment: In-silico analysis, which includes splice predictors and evolutionary conservation, is inconclusive as to whether the variant alters gene splicing. In the absence of RNA/functional studies, the actual effect of this sequence change is unknown.; Has not been previously published as pathogenic or benign to our knowledge